The following is an entry in ClinVar:

ClinVar aggregate classification (germline): Uncertain significance. Review status: criteria provided, multiple submitters, no conflicts (2 of 4 stars). 2 submissions from 2 submitters: Uncertain significance (2). Last evaluated 2023-12-19.

Conditions:
T-cell immunodeficiency, congenital alopecia, and nail dystrophy. Also called: Congenital alopecia and nail dystrophy associated with severe functional T-cell immunodeficiency; Pignata Guarino syndrome. Identifiers: Orphanet 169095, MedGen C1866426, MONDO:0011132, OMIM 601705.

Allele frequency attached by ClinVar (database versions not stated): gnomAD exomes below 0.00001 and 0.00001; ExAC 0.00002.
gnomAD v4.1: 5 of 1,612,742 alleles (0.00031%); highest among the groups gnomAD compares: Non-Finnish European, 0.00034%; no homozygotes.

Submissions (2):

Labcorp Genetics (formerly Invitae), Labcorp
Classification: Uncertain significance for T-cell immunodeficiency, congenital alopecia, and nail dystrophy. Last evaluated: 2023-12-19. Review status: criteria provided, single submitter. Criteria: Invitae Variant Classification Sherloc (09022015). Collection method: clinical testing. Allele origin: germline.
Comment: This sequence change falls in intron 6 of the FOXN1 gene. It does not directly change the encoded amino acid sequence of the FOXN1 protein. It affects a nucleotide within the consensus splice site. This variant is present in population databases (rs755005215, gnomAD 0.003%). This variant has not been reported in the literature in individuals affected with FOXN1-related conditions. ClinVar contains an entry for this variant (Variation ID: 322426). Variants that disrupt the consensus splice site are a relatively common cause of aberrant splicing (PMID: 17576681, 9536098). Algorithms developed to predict the effect of sequence changes on RNA splicing suggest that this variant is not likely to affect RNA splicing. In summary, the available evidence is currently insufficient to determine the role of this variant in disease. Therefore, it has been classified as a Variant of Uncertain Significance.

Illumina Laboratory Services, Illumina
Classification: Uncertain significance for T-cell immunodeficiency, congenital alopecia, and nail dystrophy. Last evaluated: 2018-01-13. Review status: criteria provided, single submitter. Criteria: ICSL Variant Classification Criteria 13 December 2019. Collection method: clinical testing. Allele origin: germline.

Literature cited by the submitters: PubMed 17576681 (cited by Labcorp Genetics (formerly Invitae), Labcorp); PubMed 9536098 (cited by Labcorp Genetics (formerly Invitae), Labcorp).

NM_001369369.1(FOXN1):c.1135+3G>A

Gene: FOXN1 (forkhead box N1; plus strand). Cytogenetic location: 17q11.2.
Variant type: single nucleotide variant.
Coding change: c.1135+3G>A on transcript NM_001369369.1 (MANE Select); 3 bases into the intron after coding-DNA position 1135, G replaced by A.
Molecular consequence: intron variant.
Genome position (GRCh38, 1-based): chr17:28,534,541, G>A. VCF-style: chr17-28534541-G-A. GRCh37 (hg19) VCF-style: chr17-26861559-G-A.
Other names: c.1135+3G>A (NM_003593.3).
Identifiers: ClinVar variation 322426 (VCV000322426.8), dbSNP rs755005215, ClinGen allele CA8459435.